The following is an entry in ClinVar:

NM_004706.4(ARHGEF1):c.2540C>T (p.Ala847Val)

Gene: ARHGEF1 (Rho guanine nucleotide exchange factor 1; plus strand). Cytogenetic location: 19q13.2.
Variant type: single nucleotide variant.
Coding change: c.2540C>T on transcript NM_004706.4 (MANE Select); coding-DNA position 2540, C replaced by T.
Protein change: p.Ala847Val; replaces alanine 847 with valine.
Molecular consequence: missense variant. On other transcripts: non-coding transcript variant (2), intron variant (4).
Genome position (GRCh38, 1-based): chr19:41,906,505, C>T. VCF-style: chr19-41906505-C-T. GRCh37 (hg19) VCF-style: chr19-42410657-C-T.
Other names: c.2708C>T, p.Ala903Val (NM_001396000.1); c.2441C>T, p.Ala814Val (NM_198977.2); c.2585C>T, p.Ala862Val (NM_199002.2); c.2492-198C>T (NM_001396003.1, NM_001396006.1); c.2393-198C>T (NM_001396002.1, NM_001396004.1); short protein forms A862V, A814V, A847V, A903V.
Identifiers: ClinVar variation 4749517 (VCV004749517.1).

ClinVar aggregate classification (germline): Uncertain significance (1 of 4 stars; one submission).

gnomAD v4.1: 3 of 1,583,340 alleles (0.00019%); highest among the groups gnomAD compares: Non-Finnish European, 0.00026%; no homozygotes.

Submission:

Labcorp Genetics (formerly Invitae), Labcorp
Classification: Uncertain significance. Last evaluated: 2025-10-11. Review status: criteria provided, single submitter. Criteria: Invitae Variant Classification Sherloc (09022015). Collection method: clinical testing. Allele origin: germline.
Comment: This sequence change replaces alanine, which is neutral and non-polar, with valine, which is neutral and non-polar, at codon 862 of the ARHGEF1 protein (p.Ala862Val). This variant is present in population databases (no rsID available, gnomAD 0.002%). This variant has not been reported in the literature in individuals affected with ARHGEF1-related conditions. An algorithm developed to predict the effect of missense changes on protein structure and function outputs the following: PolyPhen-2: "Benign". The valine amino acid residue is found in multiple mammalian species, which suggests that this missense change does not adversely affect protein function. In summary, the available evidence is currently insufficient to determine the role of this variant in disease. Therefore, it has been classified as a Variant of Uncertain Significance.